The following is an entry in ClinVar:

ClinVar aggregate classification (germline): Uncertain significance (1 of 4 stars; one submission).

Submission:

Laboratory for Molecular Medicine, Mass General Brigham Personalized Medicine
Classification: Uncertain significance. Last evaluated: 2016-11-22. Review status: criteria provided, single submitter. Criteria: LMM Criteria. Collection method: clinical testing. Allele origin: germline. Observed: 1 variant allele.
Comment: The c.1448-3T>A variant in SMAD4 has not been previously reported in individuals with SMAD4-associated diseases or in large population studies. This variant is located in the 3' splice region. Computational tools do not suggest an impact to splicing. However, this information is not predictive enough to rule out pathog enicity. In summary, the clinical significance of the c.1448-3T>A variant is unc ertain.

NM_005359.6(SMAD4):c.1448-3T>A

Gene: SMAD4 (SMAD family member 4; plus strand). Cytogenetic location: 18q21.2.
Variant type: single nucleotide variant.
Coding change: c.1448-3T>A on transcript NM_005359.6 (MANE Select); 3 bases into the intron before coding-DNA position 1448, T replaced by A.
Molecular consequence: intron variant.
Genome position (GRCh38, 1-based): chr18:51,078,253, T>A. VCF-style: chr18-51078253-T-A. GRCh37 (hg19) VCF-style: chr18-48604623-T-A.
Identifiers: ClinVar variation 505433 (VCV000505433.5), dbSNP rs1555687536, ClinGen allele CA658799054.
Genomic context (GRCh38, chr18:51,078,253, plus strand): 5'-ATGTAGGGAGGATGGGAAGAGATCACCCTGTCCCTCTGATGTCTTCCAAATCTTTTCTGT[T>A]AGGTCTGTCAGCTGCTGCTGGAATTGGTGTTGATGACCTTCGTCGCTTATGCATACTCAG-3'